The following is an entry in ClinVar:

ClinVar aggregate classification (germline): Conflicting classifications of pathogenicity. Review status: criteria provided, conflicting classifications (1 of 4 stars). 5 submissions from 5 submitters: Pathogenic (1); Likely pathogenic (3); Uncertain significance (1). Last evaluated 2025-12-12.

Conditions:
ENG-related disorder. Also called: ENG-related condition; ENG-related disorders.
Cardiovascular phenotype. Identifiers: MedGen CN230736.
Hereditary hemorrhagic telangiectasia (HHT). Also called: Osler hemorrhagic telangiectasia syndrome; ORW DISEASE; Osler Weber Rendu syndrome; OSLER-RENDU-WEBER DISEASE. Identifiers: Orphanet 774, MedGen C0039445, MONDO:0019180. Disease mechanism: loss of function.

Allele frequency attached by ClinVar (database versions not stated): ExAC below 0.00001; TOPMed below 0.00001; gnomAD 0.00001.

Submissions (5):

Ambry Genetics
Classification: Likely pathogenic for Cardiovascular phenotype. Last evaluated: 2025-12-12. Review status: criteria provided, single submitter. Criteria: Ambry Variant Classification Scheme 2023. Collection method: clinical testing. Allele origin: germline.
Comment: The c.-10C>T variant is located in the 5' untranslated region (5&rsquo; UTR) of the ENG gene. This variant results from a C to T substitution 10 bases upstream from the first translated codon. This variant was reported in multiple individuals with features consistent with hereditary hemorrhagic telangiectasia (HHT) (Bossler AD et al. Hum Mutat, 2006 Jul;27:667-75; Ambry internal data). This variant has the potential to create an upstream out-of-frame start codon and create a nonfunctional protein; however, direct evidence is not available at this time (Bossler AD et al. Hum Mutat, 2006 Jul;27:667-75). This variant is considered to be rare based on population cohorts in the Genome Aggregation Database (gnomAD). This nucleotide position is poorly conserved in available vertebrate species. Based on the majority of available evidence to date, this variant is likely to be pathogenic.

Labcorp Genetics (formerly Invitae), Labcorp
Classification: Pathogenic for Hereditary hemorrhagic telangiectasia. Last evaluated: 2025-10-28. Review status: criteria provided, single submitter. Criteria: Invitae Variant Classification Sherloc (09022015). Collection method: clinical testing. Allele origin: germline.
Comment: This variant occurs in a non-coding region of the ENG gene. It does not change the encoded amino acid sequence of the ENG protein. This variant is not present in population databases (gnomAD no frequency). This variant has been observed in individuals with clinical features of hereditary hemorrhagic telangiectasia (PMID: 16752392; external communication, internal data). It has also been observed to segregate with disease in related individuals. This variant is also known as c.1-10C>T. ClinVar contains an entry for this variant (Variation ID: 986898). For these reasons, this variant has been classified as Pathogenic.

Mayo Clinic Laboratories, Mayo Clinic
Classification: Likely pathogenic. Last evaluated: 2024-07-22. Review status: criteria provided, single submitter. Criteria: ACMG Guidelines, 2015. Collection method: clinical testing. Allele origin: germline. Observed: 1 variant allele.
Comment: PP4, PM2, PS3_moderate, PS4_moderate

PreventionGenetics, part of Exact Sciences
Classification: Uncertain significance for ENG-related condition. Last evaluated: 2023-05-04. Review status: criteria provided, single submitter. Criteria: ACMG Guidelines, 2015. Collection method: clinical testing. Allele origin: germline.
Comment: The ENG c.-10C>T variant is located in the 5' untranslated region. This variant occurs within a non-coding region upstream of the initiating methionine codon. Based on splicing prediction programs, this variant is not predicted to interfere with splicing (Alamut Visual Plus v.1.6.1). This variant was reported in an individual with epistaxis and telangiectasia (variant referred to as c.1-10C>T in Bossler et al. 2006. PubMed ID: 16752392). Bossler et al. speculated that this variant may lead to the formation of an out-of-frame start codon and a truncated protein product; however, they did not provide supportive functional evidence. This variant has not been reported in a large population database, indicating that it is rare. This variant has conflicting interpretation in ClinVar ranging from uncertain to likely pathogenic. At this time, the clinical significance of this variant is uncertain due to the absence of conclusive functional and genetic evidence.

Institute of Medical Genetics and Applied Genomics, University Hospital Tübingen
Classification: Likely pathogenic. Last evaluated: 2020-10-23. Review status: criteria provided, single submitter. Criteria: ACMG Guidelines, 2015. Collection method: clinical testing. Allele origin: germline. Inheritance: Unknown mechanism. Affected: yes.

Literature cited by the submitters: PubMed 16752392 (cited by 3 submitters); PubMed 36651276 (cited by Mayo Clinic Laboratories, Mayo Clinic); PubMed 37848456 (cited by Mayo Clinic Laboratories, Mayo Clinic).

NM_001114753.3(ENG):c.-10C>T

Gene: ENG (endoglin; minus strand). Cytogenetic location: 9q34.11.
Variant type: single nucleotide variant.
Coding change: c.-10C>T on transcript NM_001114753.3 (MANE Select); 10 bases upstream of the start codon, C replaced by T.
Molecular consequence: 5 prime UTR variant.
Genome position (GRCh38, 1-based): chr9:127,854,365, G>A on the plus strand (C>T on the coding strand, the complement: ENG is on the minus strand). VCF-style: chr9-127854365-G-A. GRCh37 (hg19) VCF-style: chr9-130616644-G-A.
Other names: c.-10C>T (NM_000118.4, NM_001406715.1).
Identifiers: ClinVar variation 986898 (VCV000986898.14), dbSNP rs756994701, ClinGen allele CA5253270.